The following is an entry in ClinVar:

NM_014236.4(GNPAT):c.964G>A (p.Gly322Arg)

Gene: GNPAT (glyceronephosphate O-acyltransferase; plus strand). Cytogenetic location: 1q42.2.
Variant type: single nucleotide variant.
Coding change: c.964G>A on transcript NM_014236.4 (MANE Select); coding-DNA position 964, G replaced by A.
Protein change: p.Gly322Arg; replaces glycine 322 with arginine.
Molecular consequence: missense variant.
Genome position (GRCh38, 1-based): chr1:231,266,316, G>A. VCF-style: chr1-231266316-G-A. GRCh37 (hg19) VCF-style: chr1-231402062-G-A.
Other names: c.781G>A, p.Gly261Arg (NM_001316350.2); c.964G>A (NM_014236.3); short protein forms G261R, G322R.
Identifiers: ClinVar variation 1440077 (VCV001440077.6), dbSNP rs764636128, ClinGen allele CA1451931.

ClinVar aggregate classification (germline): Uncertain significance. Review status: criteria provided, multiple submitters, no conflicts (2 of 4 stars). 2 submissions from 2 submitters: Uncertain significance (2). Last evaluated 2023-11-29.

Conditions:
Inborn genetic diseases. Identifiers: MedGen C0950123, MeSH D030342.

Allele frequency attached by ClinVar (database versions not stated): gnomAD 0.00001; ExAC 0.00002; gnomAD exomes 0.00002 and 0.00004; TOPMed 0.00003.
gnomAD v4.1: 18 of 1,613,904 alleles (0.0011%); highest among the groups gnomAD compares: Admixed American, 0.025%; no homozygotes.

Submissions (2):

Ambry Genetics
Classification: Uncertain significance for Inborn genetic diseases. Last evaluated: 2023-11-29. Review status: criteria provided, single submitter. Criteria: Ambry Variant Classification Scheme 2023. Collection method: clinical testing. Allele origin: germline.

Labcorp Genetics (formerly Invitae), Labcorp
Classification: Uncertain significance. Last evaluated: 2021-08-28. Review status: criteria provided, single submitter. Criteria: Invitae Variant Classification Sherloc (09022015). Collection method: clinical testing. Allele origin: germline.
Comment: This sequence change replaces glycine with arginine at codon 322 of the GNPAT protein (p.Gly322Arg). The glycine residue is highly conserved and there is a moderate physicochemical difference between glycine and arginine. This variant is present in population databases (rs764636128, ExAC 0.03%). This variant has not been reported in the literature in individuals affected with GNPAT-related conditions. Algorithms developed to predict the effect of missense changes on protein structure and function are either unavailable or do not agree on the potential impact of this missense change (SIFT: "Deleterious"; PolyPhen-2: "Probably Damaging"; Align-GVGD: "Class C15"). Algorithms developed to predict the effect of sequence changes on RNA splicing suggest that this variant may create or strengthen a splice site. In summary, the available evidence is currently insufficient to determine the role of this variant in disease. Therefore, it has been classified as a Variant of Uncertain Significance.